The following is an entry in ClinVar:

NM_020549.5(CHAT):c.2209del (p.Glu737fs)

Gene: CHAT (choline O-acetyltransferase; plus strand). Cytogenetic location: 10q11.23.
Variant type: Deletion.
Coding change: c.2209del on transcript NM_020549.5 (MANE Select); coding-DNA position 2209, one base deleted (G; older notation c.2209delG).
Protein change: p.Glu737fs; shifts the reading frame from glutamic acid 737.
Molecular consequence: frameshift variant.
Genome position (GRCh38, 1-based): chr10:49,665,008, G deleted; the last of 2 consecutive G bases (chr10:49,665,007-49,665,008); deleting either gives the same sequence. VCF-style (leftmost placement, unchanged base first): chr10-49665006-AG-A. GRCh37 (hg19) VCF-style: chr10-50873052-AG-A.
Other names: c.1855del, p.Glu619fs (NM_001142929.2, NM_001142934.2, NM_020984.4 and 2 more transcripts); c.1963del, p.Glu655fs (NM_001142933.2); short protein forms E619fs, E655fs, E737fs.
Identifiers: ClinVar variation 1804817 (VCV001804817.1), dbSNP rs2538897332, ClinGen allele CA2580081752.

ClinVar aggregate classification (germline): Uncertain significance (1 of 4 stars; one submission).

Submission:

Women's Health and Genetics/Laboratory Corporation of America, LabCorp
Classification: Uncertain significance. Last evaluated: 2022-11-15. Review status: criteria provided, single submitter. Criteria: LabCorp Variant Classification Summary - May 2015. Collection method: clinical testing. Allele origin: germline.
Comment: Variant summary: CHAT c.2209delG (p.Glu737LysfsX17) causes a frameshift which results in an extension of the protein. Since the variant is located in the last exon, it is not expected to cause nonsense mediated decay (NMD), but is predicted to cause a truncation of the encoded protein, removing a part of the 748 amino acid long protein (InterPro), and replacing it with an incorrect sequence. The variant was absent in 251440 control chromosomes (gnomAD). To our knowledge, no occurrence of c.2209delG in individuals affected with Congenital Myasthenic Syndrome and no experimental evidence demonstrating its impact on protein function have been reported. No clinical diagnostic laboratories have submitted clinical-significance assessments for this variant to ClinVar after 2014. Based on the evidence outlined above, the variant was classified as uncertain significance.